The following is an entry in ClinVar:

NM_006282.5(STK4):c.1072G>A (p.Asp358Asn)

Gene: STK4 (serine/threonine kinase 4; plus strand). Cytogenetic location: 20q13.12.
Variant type: single nucleotide variant.
Coding change: c.1072G>A on transcript NM_006282.5 (MANE Select); coding-DNA position 1072, G replaced by A.
Protein change: p.Asp358Asn; replaces aspartic acid 358 with asparagine.
Molecular consequence: missense variant.
Genome position (GRCh38, 1-based): chr20:45,001,278, G>A. VCF-style: chr20-45001278-G-A. GRCh37 (hg19) VCF-style: chr20-43629919-G-A.
Other names: c.1072G>A, p.Asp358Asn (NM_001352385.2); short protein forms D358N.
Identifiers: ClinVar variation 4176834 (VCV004176834.2).

ClinVar aggregate classification (germline): Uncertain significance. Review status: criteria provided, multiple submitters, no conflicts (2 of 4 stars). 2 submissions from 2 submitters: Uncertain significance (2). Last evaluated 2026-01-12.

Conditions:
Inborn genetic diseases. Identifiers: MedGen C0950123, MeSH D030342.
Combined immunodeficiency due to STK4 deficiency (IMD110). Also called: T-cell immunodeficiency, recurrent infections, and autoimmunity with or without cardiac malformations; STK4 DEFICIENCY; MST1 DEFICIENCY. Identifiers: Orphanet 314689, MedGen C3553943, MONDO:0013934, OMIM 614868.

Submissions (2):

Labcorp Genetics (formerly Invitae), Labcorp
Classification: Uncertain significance for Combined immunodeficiency due to STK4 deficiency. Last evaluated: 2026-01-12. Review status: criteria provided, single submitter. Criteria: Invitae Variant Classification Sherloc (09022015). Collection method: clinical testing. Allele origin: germline.
Comment: This sequence change replaces aspartic acid, which is acidic and polar, with asparagine, which is neutral and polar, at codon 358 of the STK4 protein (p.Asp358Asn). This variant is present in population databases (no rsID available, gnomAD 0.007%). This variant has not been reported in the literature in individuals affected with STK4-related conditions. ClinVar contains an entry for this variant (Variation ID: 4176834). Invitae Evidence Modeling of protein sequence and biophysical properties (such as structural, functional, and spatial information, amino acid conservation, physicochemical variation, residue mobility, and thermodynamic stability) indicates that this missense variant is not expected to disrupt STK4 protein function with a negative predictive value of 95%. In summary, the available evidence is currently insufficient to determine the role of this variant in disease. Therefore, it has been classified as a Variant of Uncertain Significance.

Ambry Genetics
Classification: Uncertain significance for Inborn genetic diseases. Last evaluated: 2025-06-26. Review status: criteria provided, single submitter. Criteria: Ambry Variant Classification Scheme 2023. Collection method: clinical testing. Allele origin: germline.